The following is an entry in ClinVar:

ClinVar aggregate classification (germline): Uncertain significance (1 of 4 stars; one submission).

gnomAD v4.1: 1 of 1,613,288 alleles (0.000062%); highest among the groups gnomAD compares: Non-Finnish European, 0.000085%; no homozygotes.

Submission:

GeneDx
Classification: Uncertain significance. Last evaluated: 2026-04-16. Review status: criteria provided, single submitter. Criteria: GeneDx Variant Classification Process June 2021. Collection method: clinical testing. Allele origin: germline.
Comment: In silico analysis supports that this missense variant has a deleterious effect on protein structure/function; Has not been previously published as pathogenic or benign to our knowledge

NM_006421.5(ARFGEF1):c.1754A>T (p.Asp585Val)

Gene: ARFGEF1 (ARF guanine nucleotide exchange factor 1; minus strand). Cytogenetic location: 8q13.2.
Variant type: single nucleotide variant.
Coding change: c.1754A>T on transcript NM_006421.5 (MANE Select); coding-DNA position 1754, A replaced by T.
Protein change: p.Asp585Val; replaces aspartic acid 585 with valine.
Molecular consequence: missense variant. On other transcripts: non-coding transcript variant (1).
Genome position (GRCh38, 1-based): chr8:67,267,149, T>A on the plus strand (A>T on the coding strand, the complement: ARFGEF1 is on the minus strand). VCF-style: chr8-67267149-T-A. GRCh37 (hg19) VCF-style: chr8-68179384-T-A.
Other names: c.1754A>T, p.Asp585Val (NM_001413184.1, NM_001413185.1, NM_001413186.1 and 7 more transcripts); c.1154A>T, p.Asp385Val (NM_001413188.1, NM_001413193.1, NM_001413197.1); c.329A>T, p.Asp110Val (NM_001413196.1); short protein forms D110V, D385V, D585V.
Identifiers: ClinVar variation 5037350 (VCV005037350.1).